The following is an entry in ClinVar:

ClinVar aggregate classification (germline): Benign. Review status: criteria provided, multiple submitters, no conflicts (2 of 4 stars). 2 submissions from 2 submitters: Benign (2). Last evaluated 2016-03-29.

Allele frequency attached by ClinVar (database versions not stated): gnomAD exomes 0.01229 and 0.02178; ESP Exome Variant Server 0.01740; TOPMed 0.02056; ExAC 0.02070; gnomAD 0.02211 and 0.02271; 1000 Genomes Project 30x 0.04325; 1000 Genomes Project 0.04433.
gnomAD v4.1: 21,694 of 1,613,902 alleles (1.3%); highest among the groups gnomAD compares: East Asian, 9.4%; 467 homozygotes.

Submissions (2):

Laboratory for Molecular Medicine, Mass General Brigham Personalized Medicine
Classification: Benign. Last evaluated: 2016-03-29. Review status: criteria provided, single submitter. Criteria: LMM Criteria. Collection method: clinical testing. Allele origin: germline.
Comment: Variant identified in a genome or exome case(s) and assessed due to predicted null impact of the variant or pathogenic assertions in the literature or databases. Disclaimer: This variant has not undergone full assessment. The following are preliminary notes: Frequency

Breakthrough Genomics
Classification: Benign. Review status: criteria provided, single submitter. Criteria: ACMG Guidelines, 2015. Collection method: not provided. Allele origin: germline. Inheritance: Unknown mechanism. Affected: yes.

NM_001378213.1(BCL9L):c.1627A>G (p.Ser543Gly)

Gene: BCL9L (BCL9 like; minus strand). Cytogenetic location: 11q23.3.
Variant type: single nucleotide variant.
Coding change: c.1627A>G on transcript NM_001378213.1 (MANE Select); coding-DNA position 1627, A replaced by G.
Protein change: p.Ser543Gly; replaces serine 543 with glycine.
Molecular consequence: missense variant.
Genome position (GRCh38, 1-based): chr11:118,902,116, T>C on the plus strand (A>G on the coding strand, the complement: BCL9L is on the minus strand). VCF-style: chr11-118902116-T-C. GRCh37 (hg19) VCF-style: chr11-118772825-T-C.
Other names: c.1516A>G, p.Ser506Gly (NM_001378214.1); c.1627A>G, p.Ser543Gly (NM_182557.4); short protein forms S543G, S506G.
Identifiers: ClinVar variation 402417 (VCV000402417.5), dbSNP rs78780803, ClinGen allele CA6309621.
Genomic context (GRCh38, chr11:118,902,116, plus strand): 5'-GAGGCGGGGGCCCCCTCACCATCATGCCCCCCATGCCCATCATGTCCTGCAGAGGACGGC[T>C]CCCATGCAGCCCAATCTGTTCCTCTTTCCGCCGTTTCTCTTCGTAGTACTCCTCCTGCAG-3'
Protein context (NP_001365142.1, residues 533-553): RKEEQIGLHG[Ser543Gly]RPLQDMMGMG